The following is an entry in ClinVar:

NM_000206.3(IL2RG):c.820_823dup (p.Ser275fs)

Gene: IL2RG (interleukin 2 receptor subunit gamma; minus strand). Cytogenetic location: Xq13.1.
Variant type: Duplication.
Coding change: c.820_823dup on transcript NM_000206.3 (MANE Select); coding-DNA positions 820 to 823, 4 bases duplicated (ATCA; older notation c.820_823dupATCA).
Protein change: p.Ser275fs; shifts the reading frame from serine 275.
Molecular consequence: frameshift variant.
Genome position (GRCh38, 1-based): chrX:71,108,630-71,108,633, TGAT duplicated on the plus strand (ATCA on the coding strand, the reverse complement: IL2RG is on the minus strand). VCF-style (leftmost placement, unchanged base first): chrX-71108629-C-CTGAT. GRCh37 (hg19) VCF-style: chrX-70328479-C-CTGAT.
Other names: short protein forms S275fs.
Identifiers: ClinVar variation 3384076 (VCV003384076.1).

ClinVar aggregate classification (germline): Likely pathogenic (1 of 4 stars; one submission).

Conditions:
Combined immunodeficiency. Also called: Combined T and B cell immunodeficiency; Congenital combined immunodeficiency. Identifiers: Orphanet 101972, MedGen C2711630, MONDO:0015131, HP:0005387.

Submission:

Dubai Health Genomic Medicine Center, Dubai Health
Classification: Likely pathogenic for Combined immunodeficiency. Last evaluated: 2024-10-04. Review status: criteria provided, single submitter. Criteria: ACMG Guidelines, 2015. Collection method: research. Allele origin: germline. Affected: yes.
Comment: PVS1,PM2,PM6